The following is an entry in ClinVar:

ClinVar aggregate classification (germline): Pathogenic (1 of 4 stars; one submission).

Submission:

Labcorp Genetics (formerly Invitae), Labcorp
Classification: Pathogenic. Last evaluated: 2022-09-19. Review status: criteria provided, single submitter. Criteria: Invitae Variant Classification Sherloc (09022015). Collection method: clinical testing. Allele origin: germline.
Comment: For these reasons, this variant has been classified as Pathogenic. This variant has not been reported in the literature in individuals affected with NBAS-related conditions. This variant is not present in population databases (gnomAD no frequency). This sequence change creates a premature translational stop signal (p.Leu10*) in the NBAS gene. It is expected to result in an absent or disrupted protein product. Loss-of-function variants in NBAS are known to be pathogenic (PMID: 26073778, 26541327, 27789416, 28031453).

Literature cited by the submitters: PubMed 26073778; PubMed 26541327; PubMed 27789416; PubMed 28031453.

NM_015909.4(NBAS):c.29T>A (p.Leu10Ter)

Genes: NBAS (NBAS subunit of NRZ tethering complex; minus strand), LOC129933155 (ATAC-STARR-seq lymphoblastoid active region 15346; plus strand). Cytogenetic location: 2p24.3.
Variant type: single nucleotide variant.
Coding change: c.29T>A on transcript NM_015909.4 (MANE Select); coding-DNA position 29, T replaced by A.
Protein change: p.Leu10Ter; replaces leucine 10 with a stop codon.
Molecular consequence: nonsense. On other transcripts: non-coding transcript variant (1).
Genome position (GRCh38, 1-based): chr2:15,561,276, A>T on the plus strand (T>A on the coding strand, the complement: NBAS is on the minus strand). VCF-style: chr2-15561276-A-T. GRCh37 (hg19) VCF-style: chr2-15701400-A-T.
Other names: short protein forms L10*.
Identifiers: ClinVar variation 1920767 (VCV001920767.5), dbSNP rs978082529, ClinGen allele CA42663394.